The following is an entry in ClinVar:

NM_001205293.3(CACNA1E):c.2317CAC[1] (p.His774del)

Gene: CACNA1E (calcium voltage-gated channel subunit alpha1 E; plus strand). Cytogenetic location: 1q25.3.
Variant type: Microsatellite.
Coding change: c.2317CAC[1] on transcript NM_001205293.3 (MANE Select); one copy of the 3-base unit CAC starting at c.2317; the reference has two copies in a row; one copy, 3 bases deleted.
Protein change: p.His774del; deletes histidine 774.
Molecular consequence: inframe deletion.
Genome position (GRCh38, 1-based): chr1:181,732,406-181,732,408, CAC deleted; deleting any 3 consecutive bases within chr1:181,732,403-181,732,408 gives the same sequence; the position shown is the placement nearest the transcript's 3' end. VCF-style (leftmost placement, unchanged base first): chr1-181732402-GCAC-G. GRCh37 (hg19) VCF-style: chr1-181701538-GCAC-G.
Other names: c.2317CAC[1], p.His774del (NM_000721.4); c.2260CAC[1], p.His755del (NM_001205294.2); short protein forms H755del, H774del.
Identifiers: ClinVar variation 1994530 (VCV001994530.7), dbSNP rs2528691581, ClinGen allele CA2580611512.

ClinVar aggregate classification (germline): Conflicting classifications of pathogenicity. Review status: criteria provided, conflicting classifications (1 of 4 stars). 3 submissions from 3 submitters: Uncertain significance (2); Likely benign (1). Last evaluated 2026-02-04.

Conditions:
Inborn genetic diseases. Identifiers: MedGen C0950123, MeSH D030342.
Developmental and epileptic encephalopathy, 69. Also called: EPILEPTIC ENCEPHALOPATHY, EARLY INFANTILE, 69. Identifiers: MedGen C4748988, MONDO:0032657, OMIM 618285.

Submissions (3):

Ambry Genetics
Classification: Uncertain significance for Inborn genetic diseases. Last evaluated: 2026-02-04. Review status: criteria provided, single submitter. Criteria: Ambry Variant Classification Scheme 2023. Collection method: clinical testing. Allele origin: germline.
Comment: The c.2320_2322delCAC (p.H774del) alteration is located in exon 20 (coding exon 20) of the CACNA1E gene. This alteration consists of an in-frame deletion of 3 nucleotides between nucleotide positions c.2320 and c.2322, resulting in the deletion of histidine (H) at codon 774. This variant was not reported in population-based cohorts in the Genome Aggregation Database (gnomAD). This amino acid position is well conserved in available vertebrate species. This alteration is predicted to be neutral by in silico analysis (Choi, 2012). Based on insufficient or conflicting evidence, the clinical significance of this alteration remains unclear.

Labcorp Genetics (formerly Invitae), Labcorp
Classification: Likely benign. Last evaluated: 2025-07-31. Review status: criteria provided, single submitter. Criteria: Invitae Variant Classification Sherloc (09022015). Collection method: clinical testing. Allele origin: germline.

Genome-Nilou Lab
Classification: Uncertain significance for Developmental and epileptic encephalopathy, 69. Last evaluated: 2023-04-11. Review status: criteria provided, single submitter. Criteria: ACMG Guidelines, 2015. Collection method: clinical testing. Allele origin: germline. Affected: no.